The following is an entry in ClinVar:

NM_004082.5(DCTN1):c.1340A>G (p.Asn447Ser)

Gene: DCTN1 (dynactin subunit 1; minus strand). Cytogenetic location: 2p13.1.
Variant type: single nucleotide variant.
Coding change: c.1340A>G on transcript NM_004082.5 (MANE Select); coding-DNA position 1340, A replaced by G.
Protein change: p.Asn447Ser; replaces asparagine 447 with serine.
Molecular consequence: missense variant. On other transcripts: non-coding transcript variant (1).
Genome position (GRCh38, 1-based): chr2:74,370,017, T>C on the plus strand (A>G on the coding strand, the complement: DCTN1 is on the minus strand). VCF-style: chr2-74370017-T-C. GRCh37 (hg19) VCF-style: chr2-74597144-T-C.
Other names: c.1280A>G, p.Asn427Ser (NM_001135040.3); c.938A>G, p.Asn313Ser (NM_001135041.3, NM_023019.4); c.1229A>G, p.Asn410Ser (NM_001190836.2); c.1319A>G, p.Asn440Ser (NM_001190837.2); c.1289A>G, p.Asn430Ser (NM_001378991.1); c.1271A>G, p.Asn424Ser (NM_001378992.1); short protein forms N410S, N430S, N447S, N427S, N440S, N424S, N313S.
Identifiers: ClinVar variation 2947815 (VCV002947815.3), dbSNP rs1231902149, ClinGen allele CA347359921.

ClinVar aggregate classification (germline): Uncertain significance (1 of 4 stars; one submission).

Conditions:
Amyotrophic lateral sclerosis type 1 (ALS1). Also called: AMYOTROPHIC LATERAL SCLEROSIS 1, FAMILIAL. Identifiers: Orphanet 803, MedGen C1862939, MONDO:0007103, OMIM 105400.
Neuronopathy, distal hereditary motor, type 7B. Also called: HMN VIIB; LOWER MOTOR NEURON DISEASE, DYNACTIN TYPE; NEURONOPATHY, DISTAL HEREDITARY MOTOR, AUTOSOMAL DOMINANT 14; NEURONOPATHY, DISTAL HEREDITARY MOTOR, HARDING TYPE VIIB; NEUROPATHY, DISTAL HEREDITARY MOTOR, HARDING TYPE VIIB; NEUROPATHY, DISTAL HEREDITARY MOTOR, WITH VOCAL CORD PARALYSIS, HARDING TYPE VIIB. Identifiers: Orphanet 139589, MedGen C1843315, MONDO:0011879, OMIM 607641.
Perry syndrome. Also called: PARKINSONISM WITH ALVEOLAR HYPOVENTILATION AND MENTAL DEPRESSION. Identifiers: Orphanet 178509, MedGen C1868594, MONDO:0008201, OMIM 168605.

Allele frequency attached by ClinVar (database versions not stated): TOPMed 0.00001; gnomAD 0.00005.
gnomAD v4.1: 7 of 1,614,008 alleles (0.00043%); highest among the groups gnomAD compares: Admixed American, 0.012%; no homozygotes.

Submission:

Labcorp Genetics (formerly Invitae), Labcorp
Classification: Uncertain significance for Amyotrophic lateral sclerosis type 1; Neuronopathy, distal hereditary motor, type 7B; Perry syndrome. Last evaluated: 2023-05-16. Review status: criteria provided, single submitter. Criteria: Invitae Variant Classification Sherloc (09022015). Collection method: clinical testing. Allele origin: germline.
Comment: This sequence change replaces asparagine, which is neutral and polar, with serine, which is neutral and polar, at codon 447 of the DCTN1 protein (p.Asn447Ser). This variant is not present in population databases (gnomAD no frequency). This variant has not been reported in the literature in individuals affected with DCTN1-related conditions. Advanced modeling of protein sequence and biophysical properties (such as structural, functional, and spatial information, amino acid conservation, physicochemical variation, residue mobility, and thermodynamic stability) performed at Invitae indicates that this missense variant is expected to disrupt DCTN1 protein function. In summary, the available evidence is currently insufficient to determine the role of this variant in disease. Therefore, it has been classified as a Variant of Uncertain Significance.